The following is an entry in ClinVar:

NM_000632.4(ITGAM):c.1721C>T (p.Ser574Phe)

Gene: ITGAM (integrin subunit alpha M; plus strand). Cytogenetic location: 16p11.2.
Variant type: single nucleotide variant.
Coding change: c.1721C>T on transcript NM_000632.4 (MANE Select); coding-DNA position 1721, C replaced by T.
Protein change: p.Ser574Phe; replaces serine 574 with phenylalanine.
Molecular consequence: missense variant.
Genome position (GRCh38, 1-based): chr16:31,321,254, C>T. VCF-style: chr16-31321254-C-T. GRCh37 (hg19) VCF-style: chr16-31332575-C-T.
Other names: c.1724C>T, p.Ser575Phe (NM_001145808.2); short protein forms S574F, S575F.
Identifiers: ClinVar variation 1982263 (VCV001982263.4), dbSNP rs369202546, ClinGen allele CA8025646.

ClinVar aggregate classification (germline): Uncertain significance (1 of 4 stars; one submission).

Allele frequency attached by ClinVar (database versions not stated): TOPMed below 0.00001; gnomAD 0.00001; ExAC 0.00002; gnomAD exomes 0.00002; ESP Exome Variant Server 0.00008.
gnomAD v4.1: 25 of 1,613,836 alleles (0.0015%); highest among the groups gnomAD compares: Non-Finnish European, 0.0021%; no homozygotes.

Submission:

Labcorp Genetics (formerly Invitae), Labcorp
Classification: Uncertain significance. Last evaluated: 2025-03-30. Review status: criteria provided, single submitter. Criteria: Invitae Variant Classification Sherloc (09022015). Collection method: clinical testing. Allele origin: germline.
Comment: This sequence change replaces serine, which is neutral and polar, with phenylalanine, which is neutral and non-polar, at codon 574 of the ITGAM protein (p.Ser574Phe). This variant is present in population databases (rs369202546, gnomAD 0.003%). This variant has not been reported in the literature in individuals affected with ITGAM-related conditions. ClinVar contains an entry for this variant (Variation ID: 1982263). An algorithm developed to predict the effect of missense changes on protein structure and function (PolyPhen-2) suggests that this variant is likely to be disruptive. In summary, the available evidence is currently insufficient to determine the role of this variant in disease. Therefore, it has been classified as a Variant of Uncertain Significance.